The following is an entry in ClinVar:

ClinVar aggregate classification (germline): Uncertain significance (1 of 4 stars; one submission).

Allele frequency attached by ClinVar (database versions not stated): ExAC 0.00001; gnomAD 0.00001; gnomAD exomes 0.00001; TOPMed 0.00003.
gnomAD v4.1: 10 of 1,613,620 alleles (0.00062%); highest among the groups gnomAD compares: East Asian, 0.0022%; no homozygotes.

Submission:

Labcorp Genetics (formerly Invitae), Labcorp
Classification: Uncertain significance. Last evaluated: 2025-02-20. Review status: criteria provided, single submitter. Criteria: Invitae Variant Classification Sherloc (09022015). Collection method: clinical testing. Allele origin: germline.
Comment: This sequence change replaces valine, which is neutral and non-polar, with methionine, which is neutral and non-polar, at codon 1030 of the CACNA1D protein (p.Val1030Met). This variant is present in population databases (rs780809499, gnomAD 0.006%). This variant has not been reported in the literature in individuals affected with CACNA1D-related conditions. ClinVar contains an entry for this variant (Variation ID: 1406989). Invitae Evidence Modeling of protein sequence and biophysical properties (such as structural, functional, and spatial information, amino acid conservation, physicochemical variation, residue mobility, and thermodynamic stability) indicates that this missense variant is not expected to disrupt CACNA1D protein function with a negative predictive value of 80%. In summary, the available evidence is currently insufficient to determine the role of this variant in disease. Therefore, it has been classified as a Variant of Uncertain Significance.

NM_001128840.3(CACNA1D):c.3028G>A (p.Val1010Met)

Gene: CACNA1D (calcium voltage-gated channel subunit alpha1 D; plus strand). Cytogenetic location: 3p21.1.
Variant type: single nucleotide variant.
Coding change: c.3028G>A on transcript NM_001128840.3 (MANE Select); coding-DNA position 3028, G replaced by A.
Protein change: p.Val1010Met; replaces valine 1010 with methionine.
Molecular consequence: missense variant.
Genome position (GRCh38, 1-based): chr3:53,745,645, G>A. VCF-style: chr3-53745645-G-A. GRCh37 (hg19) VCF-style: chr3-53779672-G-A.
Other names: c.3088G>A, p.Val1030Met (NM_000720.4); c.3028G>A, p.Val1010Met (NM_001128839.3); short protein forms V1010M, V1030M.
Identifiers: ClinVar variation 1406989 (VCV001406989.8), dbSNP rs780809499, ClinGen allele CA2454436.